The following is an entry in ClinVar:

ClinVar aggregate classification (germline): Likely benign (1 of 4 stars; one submission).

Allele frequency attached by ClinVar (database versions not stated): ESP Exome Variant Server 0.00138; gnomAD 0.00150; 1000 Genomes Project 0.00160; 1000 Genomes Project 30x 0.00187; gnomAD exomes 0.00015 and 0.00036; TOPMed 0.00158; ExAC 0.00043.

Submission:

GeneDx
Classification: Likely benign. Last evaluated: 2017-11-24. Review status: criteria provided, single submitter. Criteria: GeneDx Variant Classification (06012015). Collection method: clinical testing. Allele origin: germline. Affected: yes.
Comment: This variant is considered likely benign or benign based on one or more of the following criteria: it is a conservative change, it occurs at a poorly conserved position in the protein, it is predicted to be benign by multiple in silico algorithms, and/or has population frequency not consistent with disease.

NM_017841.2(SDHAF2):c.-50G>T

Gene: SDHAF2 (succinate dehydrogenase complex assembly factor 2; plus strand). Cytogenetic location: 11q12.2.
Variant type: single nucleotide variant.
Coding change: c.-50G>T on transcript NM_017841.2; 50 bases upstream of the start codon, G replaced by T.
Genome position (GRCh38, 1-based): chr11:61,430,097, G>T. VCF-style: chr11-61430097-G-T. GRCh37 (hg19) VCF-style: chr11-61197569-G-T.
Identifiers: ClinVar variation 513739 (VCV000513739.3), dbSNP rs200379024, ClinGen allele CA059471.